The following is an entry in ClinVar:

ClinVar aggregate classification (germline): Uncertain significance. Review status: criteria provided, multiple submitters, no conflicts (2 of 4 stars). 2 submissions from 2 submitters: Uncertain significance (2). Last evaluated 2025-06-16.

Conditions:
Inborn genetic diseases. Identifiers: MedGen C0950123, MeSH D030342.
Nemaline myopathy 8 (NEM8). Also called: Nemaline myopathy 8, autosomal recessive. Identifiers: Orphanet 171430, MedGen C3809209, MONDO:0014138, OMIM 615348.

Allele frequency attached by ClinVar (database versions not stated): ExAC 0.00004; gnomAD exomes 0.00005 and 0.00013; gnomAD 0.00011 and 0.00012; TOPMed 0.00011; ESP Exome Variant Server 0.00023.
gnomAD v4.1: 194 of 1,609,420 alleles (0.012%); highest among the groups gnomAD compares: Middle Eastern, 0.017%; no homozygotes.

Submissions (2):

Ambry Genetics
Classification: Uncertain significance for Inborn genetic diseases. Last evaluated: 2025-06-16. Review status: criteria provided, single submitter. Criteria: Ambry Variant Classification Scheme 2023. Collection method: clinical testing. Allele origin: germline.

Labcorp Genetics (formerly Invitae), Labcorp
Classification: Uncertain significance for Nemaline myopathy 8. Last evaluated: 2022-08-15. Review status: criteria provided, single submitter. Criteria: Invitae Variant Classification Sherloc (09022015). Collection method: clinical testing. Allele origin: germline.
Comment: This sequence change replaces glutamic acid, which is acidic and polar, with lysine, which is basic and polar, at codon 541 of the KLHL40 protein (p.Glu541Lys). This variant is present in population databases (rs142761414, gnomAD 0.01%). This variant has not been reported in the literature in individuals affected with KLHL40-related conditions. ClinVar contains an entry for this variant (Variation ID: 474332). Algorithms developed to predict the effect of missense changes on protein structure and function (SIFT, PolyPhen-2, Align-GVGD) all suggest that this variant is likely to be tolerated. In summary, the available evidence is currently insufficient to determine the role of this variant in disease. Therefore, it has been classified as a Variant of Uncertain Significance.

NM_152393.4(KLHL40):c.1621G>A (p.Glu541Lys)

Gene: KLHL40 (kelch like family member 40; plus strand). Cytogenetic location: 3p22.1.
Variant type: single nucleotide variant.
Coding change: c.1621G>A on transcript NM_152393.4 (MANE Select); coding-DNA position 1621, G replaced by A.
Protein change: p.Glu541Lys; replaces glutamic acid 541 with lysine.
Molecular consequence: missense variant.
Genome position (GRCh38, 1-based): chr3:42,690,872, G>A. VCF-style: chr3-42690872-G-A. GRCh37 (hg19) VCF-style: chr3-42732364-G-A.
Other names: c.1621G>A (NM_152393.2); short protein forms E541K.
Identifiers: ClinVar variation 474332 (VCV000474332.5), dbSNP rs142761414, ClinGen allele CA2337039.
Genomic context (GRCh38, chr3:42,690,872, plus strand): 5'-GGGCTTGCCGAGGCATCCCAATGATGCACCTTCTCACACACCCCCAGGTGGGCACCCTTC[G>A]AGGCCTTCCCACAGGAGCGTAGCTCACTCAGCCTGGTCAGCCTGGTGGGTACCCTCTATG-3'
Protein context (NP_689606.2, residues 531-551): SITDNKWAPF[Glu541Lys]AFPQERSSLS